The following is an entry in ClinVar:

NM_001104631.2(PDE4D):c.448C>T (p.Leu150Phe)

Gene: PDE4D (phosphodiesterase 4D; minus strand). Cytogenetic location: 5q12.1.
Variant type: single nucleotide variant.
Coding change: c.448C>T on transcript NM_001104631.2 (MANE Select); coding-DNA position 448, C replaced by T.
Protein change: p.Leu150Phe; replaces leucine 150 with phenylalanine.
Molecular consequence: missense variant. On other transcripts: intron variant (5).
Genome position (GRCh38, 1-based): chr5:59,893,175, G>A on the plus strand (C>T on the coding strand, the complement: PDE4D is on the minus strand). VCF-style: chr5-59893175-G-A. GRCh37 (hg19) VCF-style: chr5-59189002-G-A.
Other names: c.272+95313C>T (NM_001364599.1, NM_001165899.2, NM_001364600.2); c.-240+95313C>T (NM_001349243.2); c.242+95313C>T (NM_001349241.2); short protein forms L150F.
Identifiers: ClinVar variation 2986841 (VCV002986841.3), dbSNP rs2534914032, ClinGen allele CA359932355.

ClinVar aggregate classification (germline): Uncertain significance (1 of 4 stars; one submission).

Allele frequency attached by ClinVar (database versions not stated): gnomAD exomes below 0.00001.

Submission:

Labcorp Genetics (formerly Invitae), Labcorp
Classification: Uncertain significance. Last evaluated: 2023-05-29. Review status: criteria provided, single submitter. Criteria: Invitae Variant Classification Sherloc (09022015). Collection method: clinical testing. Allele origin: germline.
Comment: This variant has not been reported in the literature in individuals affected with PDE4D-related conditions. In summary, the available evidence is currently insufficient to determine the role of this variant in disease. Therefore, it has been classified as a Variant of Uncertain Significance. An algorithm developed to predict the effect of missense changes on protein structure and function (PolyPhen-2) suggests that this variant is likely to be tolerated. This variant is not present in population databases (gnomAD no frequency). This sequence change replaces leucine, which is neutral and non-polar, with phenylalanine, which is neutral and non-polar, at codon 150 of the PDE4D protein (p.Leu150Phe).